The following is an entry in ClinVar:

NM_152703.5(SAMD9L):c.3710C>T (p.Thr1237Ile)

Gene: SAMD9L (sterile alpha motif domain containing 9 like; minus strand). Cytogenetic location: 7q21.2.
Variant type: single nucleotide variant.
Coding change: c.3710C>T on transcript NM_152703.5 (MANE Select); coding-DNA position 3710, C replaced by T.
Protein change: p.Thr1237Ile; replaces threonine 1237 with isoleucine.
Molecular consequence: missense variant.
Genome position (GRCh38, 1-based): chr7:93,132,262, G>A on the plus strand (C>T on the coding strand, the complement: SAMD9L is on the minus strand). VCF-style: chr7-93132262-G-A. GRCh37 (hg19) VCF-style: chr7-92761575-G-A.
Other names: c.3710C>T, p.Thr1237Ile (NM_001303496.3, NM_001303497.3, NM_001303498.3 and 5 more transcripts); c.3710C>T (NM_152703.2); short protein forms T1237I.
Identifiers: ClinVar variation 2783621 (VCV002783621.4), dbSNP rs2535410046, ClinGen allele CA368180436.

ClinVar aggregate classification (germline): Uncertain significance. Review status: criteria provided, multiple submitters, no conflicts (2 of 4 stars). 2 submissions from 2 submitters: Uncertain significance (2). Last evaluated 2025-05-17.

Conditions:
Inborn genetic diseases. Identifiers: MedGen C0950123, MeSH D030342.

Submissions (2):

Ambry Genetics
Classification: Uncertain significance for Inborn genetic diseases. Last evaluated: 2025-05-17. Review status: criteria provided, single submitter. Criteria: Ambry Variant Classification Scheme 2023. Collection method: clinical testing. Allele origin: germline.
Comment: The p.T1237I variant (also known as c.3710C>T), located in coding exon 1 of the SAMD9L gene, results from a C to T substitution at nucleotide position 3710. The threonine at codon 1237 is replaced by isoleucine, an amino acid with similar properties. This amino acid position is conserved. In addition, this alteration is predicted to be tolerated by in silico analysis. Based on the available evidence, the clinical significance of this variant remains unclear.

Labcorp Genetics (formerly Invitae), Labcorp
Classification: Uncertain significance. Last evaluated: 2023-07-25. Review status: criteria provided, single submitter. Criteria: Invitae Variant Classification Sherloc (09022015). Collection method: clinical testing. Allele origin: germline.
Comment: In summary, the available evidence is currently insufficient to determine the role of this variant in disease. Therefore, it has been classified as a Variant of Uncertain Significance. Advanced modeling of protein sequence and biophysical properties (such as structural, functional, and spatial information, amino acid conservation, physicochemical variation, residue mobility, and thermodynamic stability) performed at Invitae indicates that this missense variant is not expected to disrupt SAMD9L protein function. This variant has not been reported in the literature in individuals affected with SAMD9L-related conditions. This variant is not present in population databases (gnomAD no frequency). This sequence change replaces threonine, which is neutral and polar, with isoleucine, which is neutral and non-polar, at codon 1237 of the SAMD9L protein (p.Thr1237Ile).